The following is an entry in ClinVar:

NM_001010874.5(TECRL):c.202C>T (p.Gln68Ter)

Gene: TECRL (trans-2,3-enoyl-CoA reductase like; minus strand). Cytogenetic location: 4q13.1.
Variant type: single nucleotide variant.
Coding change: c.202C>T on transcript NM_001010874.5 (MANE Select); coding-DNA position 202, C replaced by T.
Protein change: p.Gln68Ter; replaces glutamine 68 with a stop codon.
Molecular consequence: nonsense.
Genome position (GRCh38, 1-based): chr4:64,409,150, G>A on the plus strand (C>T on the coding strand, the complement: TECRL is on the minus strand). VCF-style: chr4-64409150-G-A. GRCh37 (hg19) VCF-style: chr4-65274868-G-A.
Other names: c.202C>T, p.Gln68Ter (NM_001363796.1); short protein forms Q68*.
Identifiers: ClinVar variation 1784734 (VCV001784734.5), dbSNP rs377068257, ClinGen allele CA2935673.

ClinVar aggregate classification (germline): Pathogenic/Likely pathogenic. Review status: criteria provided, multiple submitters, no conflicts (2 of 4 stars). 3 submissions from 3 submitters: Pathogenic (2); Likely pathogenic (1). Last evaluated 2026-08-21.

Conditions:
Cardiovascular phenotype. Identifiers: MedGen CN230736.
TECRL-related disorder. Also called: TECRL-related condition.

Allele frequency attached by ClinVar (database versions not stated): gnomAD 0.00001; ExAC 0.00004; ESP Exome Variant Server 0.00015; TOPMed 0.00001.

Submissions (3):

GeneDx
Classification: Pathogenic. Last evaluated: 2026-08-21. Review status: criteria provided, single submitter. Criteria: GeneDx Variant Classification Process June 2021. Collection method: clinical testing. Allele origin: germline.
Comment: Nonsense variant predicted to result in protein truncation or nonsense mediated decay in a gene for which loss of function is a known mechanism of disease; Has not been previously published as pathogenic or benign to our knowledge

Ambry Genetics
Classification: Pathogenic for Cardiovascular phenotype. Last evaluated: 2022-02-04. Review status: criteria provided, single submitter. Criteria: Ambry Variant Classification Scheme 2023. Collection method: clinical testing. Allele origin: germline.
Comment: The p.Q68* pathogenic mutation (also known as c.202C>T), located in coding exon 1 of the TECRL gene, results from a C to T substitution at nucleotide position 202. This changes the amino acid from a glutamine to a stop codon within coding exon 1. This alteration is expected to result in loss of function by premature protein truncation or nonsense-mediated mRNA decay. As such, this alteration is interpreted as a disease-causing mutation.

Blueprint Genetics
Classification: Likely pathogenic for TECRL-related disorders. Last evaluated: 2021-07-14. Review status: criteria provided, single submitter. Criteria: ACMG Guidelines, 2015. Collection method: clinical testing. Allele origin: germline. Affected: yes. Observed: 4 variant alleles.